The following is an entry in ClinVar:

NM_001999.4(FBN2):c.92A>G (p.Gln31Arg)

Gene: FBN2 (fibrillin 2; minus strand). Cytogenetic location: 5q23.3.
Variant type: single nucleotide variant.
Coding change: c.92A>G on transcript NM_001999.4 (MANE Select); coding-DNA position 92, A replaced by G.
Protein change: p.Gln31Arg; replaces glutamine 31 with arginine.
Molecular consequence: missense variant.
Genome position (GRCh38, 1-based): chr5:128,537,512, T>C on the plus strand (A>G on the coding strand, the complement: FBN2 is on the minus strand). VCF-style: chr5-128537512-T-C. GRCh37 (hg19) VCF-style: chr5-127873205-T-C.
Other names: short protein forms Q31R.
Identifiers: ClinVar variation 3340190 (VCV003340190.1).

ClinVar aggregate classification (germline): Uncertain significance (1 of 4 stars; one submission).

Submission:

GeneDx
Classification: Uncertain significance. Last evaluated: 2023-09-01. Review status: criteria provided, single submitter. Criteria: GeneDx Variant Classification Process June 2021. Collection method: clinical testing. Allele origin: germline. Affected: yes.
Comment: Has not been previously published as pathogenic or benign to our knowledge; Not observed at significant frequency in large population cohorts (gnomAD); In silico analysis supports that this missense variant does not alter protein structure/function